The following is an entry in ClinVar:

NM_006642.5(SDCCAG8):c.740+356C>T

Gene: SDCCAG8 (SHH signaling and ciliogenesis regulator SDCCAG8; plus strand). Cytogenetic location: 1q43.
Variant type: single nucleotide variant.
Coding change: c.740+356C>T on transcript NM_006642.5 (MANE Select); 356 bases into the intron after coding-DNA position 740, C replaced by T.
Molecular consequence: intron variant. On other transcripts: 5 prime UTR variant (1).
Genome position (GRCh38, 1-based): chr1:243,305,133, C>T. VCF-style: chr1-243305133-C-T. GRCh37 (hg19) VCF-style: chr1-243468435-C-T.
Other names: IVS7, C-T; c.-416C>T (NM_001350251.2); c.446+356C>T (NM_001350249.2); c.836+356C>T (NM_001350248.2); c.-261+10C>T (NM_001350246.2); c.-261+356C>T (NM_001350247.2).
Identifiers: ClinVar variation 60 (VCV000000060.8), dbSNP rs397515337, ClinGen allele CA251367.

ClinVar aggregate classification (germline): Pathogenic/Likely pathogenic. Review status: criteria provided, multiple submitters, no conflicts (2 of 4 stars). 8 submissions from 7 submitters: Pathogenic (4); Likely pathogenic (1). 3 of the submissions do not count toward it. Last evaluated 2024-12-13.

Conditions:
SDCCAG8-related disorder. Also called: SDCCAG8-related condition; SDCCAG8-Related Disorders.
Senior-Loken syndrome 7 (SLSN7). Identifiers: Orphanet 3156, MedGen C3150877, MONDO:0013326, OMIM 613615.
Bardet-Biedl syndrome 16 (BBS16). Identifiers: Orphanet 110, MedGen C3889474, MONDO:0014444, OMIM 615993.
Bardet-Biedl syndrome (BBS). Identifiers: Orphanet 110, MedGen C0752166, MONDO:0015229.

Allele frequency attached by ClinVar (database versions not stated): ExAC below 0.00001; gnomAD 0.00006 and 0.00007; TOPMed 0.00007; gnomAD exomes 0.00011 and 0.00012.
gnomAD v4.1: 18 of 217,290 alleles (0.0083%); highest among the groups gnomAD compares: Non-Finnish European, 0.014%; no homozygotes.

Submissions (8):

Revvity Omics, Revvity
Classification: Pathogenic. Last evaluated: 2024-12-13. Review status: criteria provided, single submitter. Criteria: ACMG Guidelines, 2015. Collection method: clinical testing. Allele origin: germline.

Women's Health and Genetics/Laboratory Corporation of America, LabCorp
Classification: Pathogenic for Bardet-Biedl syndrome. Last evaluated: 2022-05-17. Review status: criteria provided, single submitter. Criteria: LabCorp Variant Classification Summary - May 2015. Collection method: clinical testing. Allele origin: germline.
Comment: Variant summary: SDCCAG8 c.740+356C>T is located at a position not widely known to affect splicing. 4/4 computational tools predict no significant impact on normal splicing. However, at least one publication reports experimental evidence that this variant affects mRNA splicing. The variant allele was found at a frequency of 0.00012 in 8058 control chromosomes. c.740+356C>T has been reported in the literature in multiple individuals affected with retinal-renal ciliopathy. These data indicate that the variant is very likely to be associated with disease. Two clinical diagnostic laboratories have submitted clinical-significance assessments for this variant to ClinVar after 2014 without evidence for independent evaluation. Both laboratories classified the variant as pathogenic. Based on the evidence outlined above, the variant was classified as pathogenic.

Fulgent Genetics
Classification: Likely pathogenic for Senior-Loken syndrome 7; Bardet-Biedl syndrome 16. Last evaluated: 2021-09-30. Review status: criteria provided, single submitter. Criteria: ACMG Guidelines, 2015. Collection method: clinical testing. Allele origin: unknown.

Molecular Diagnostics Laboratory, M Health Fairview: University of Minnesota
Classification: Pathogenic for Senior-Loken syndrome 7. Last evaluated: 2018-06-01. Review status: criteria provided, single submitter. Criteria: ACMG Guidelines, 2015. Collection method: clinical testing. Allele origin: germline. Affected: yes. Observed: 1 variant allele.

Broad Center for Mendelian Genomics, Broad Institute of MIT and Harvard
Classification: Pathogenic for Bardet-Biedl syndrome 16. Last evaluated: 2017-06-26. Review status: criteria provided, single submitter. Criteria: ACMG Guidelines, 2015. Collection method: research. Allele origin: germline. Inheritance: Autosomal recessive inheritance. Affected: yes. Observed: 1 variant allele. Study: Broad Institute Center for Mendelian Genomics (CMG).
Comment: PVS1: This is an intronic variant in most transcripts but there is functional evidence in the literature that it results in altered splicing and significantly reduced protein levels (PMID: 20835237). It is annotated as a missense here but that only applies to 1 transcript. PP1 it cosegregates in 1 large Gypsy family with 5 affected individuals in 2 sibships (PMID: 22190896). PM2 rare in population databases (AC = 2 in gnomAD).

PreventionGenetics, part of Exact Sciences
Classification: Likely pathogenic for SDCCAG8-related condition. Last evaluated: 2024-09-06. Review status: no assertion criteria provided. Collection method: clinical testing. Allele origin: germline. Not counted in ClinVar's aggregate classification.
Comment: The SDCCAG8 c.740+356C>T variant is predicted to interfere with splicing. This variant has been reported in the homozygous state in 5 affected individuals from two related Roma families with Bardet-Biedl syndrome (BBS) (Otto et al. 2010. PubMed ID: 20835237; Schaefer et al. 2011. PubMed ID: 22190896). Although this family was diagnosed with BBS, they were initially recruited due to acute manifestation of chronic renal failure coupled with respiratory defects. This deep intronic variant was predicted to disrupt an exonic splicing enhancer which was confirmed by cDNA sequencing (Otto et al. 2010. PubMed ID: 20835237). This variant was also described in the compound heterozygous state in an individual with Senior-Loken syndrome (Tay and Vincent. 2020. PubMed ID: 32432520) and in the homozygous state in an individual with suspected retinal disease (Weisschuh et al. 2020. PubMed ID: 32531858, supplementary data). Lastly, this variant was detected, along with a second causative variant, in another individual with Bardet-Biedl syndrome (Meyer et al. 2022. PubMed ID: 35112343). This variant is reported in 0.016% of alleles in individuals of European (Non-Finnish) descent in gnomAD. This variant is interpreted as likely pathogenic.

OMIM
Classification: Pathogenic for BARDET-BIEDL SYNDROME 16. Last evaluated: 2011-09-01. Review status: no assertion criteria provided. Collection method: literature only. Allele origin: germline. Not counted in ClinVar's aggregate classification.

OMIM
Classification: Pathogenic for SENIOR-LOKEN SYNDROME 7. Last evaluated: 2011-09-01. Review status: no assertion criteria provided. Collection method: literature only. Allele origin: germline. Not counted in ClinVar's aggregate classification.

Literature cited by the submitters: PubMed 20835237 (cited by 4 submitters); PubMed 22190896 (cited by 3 submitters); PubMed 32432520 (cited by OMIM).